The following is an entry in ClinVar:

NM_002439.5(MSH3):c.3178A>T (p.Thr1060Ser)

Gene: MSH3 (mutS homolog 3; plus strand). Cytogenetic location: 5q14.1.
Variant type: single nucleotide variant.
Coding change: c.3178A>T on transcript NM_002439.5 (MANE Select); coding-DNA position 3178, A replaced by T.
Protein change: p.Thr1060Ser; replaces threonine 1060 with serine.
Molecular consequence: missense variant.
Genome position (GRCh38, 1-based): chr5:80,873,163, A>T. VCF-style: chr5-80873163-A-T. GRCh37 (hg19) VCF-style: chr5-80168982-A-T.
Other names: short protein forms T1060S.
Identifiers: ClinVar variation 1728497 (VCV001728497.4), dbSNP rs777682307, ClinGen allele CA360346885.

ClinVar aggregate classification (germline): Uncertain significance. Review status: criteria provided, multiple submitters, no conflicts (2 of 4 stars). 2 submissions from 2 submitters: Uncertain significance (2). Last evaluated 2024-04-03.

Conditions:
Hereditary cancer-predisposing syndrome. Also called: Tumor predisposition; Neoplastic Syndromes, Hereditary; Hereditary Cancer Syndrome; Hereditary neoplastic syndrome. Identifiers: Orphanet 140162, MedGen C0027672, MeSH D009386, MONDO:0015356.

Allele frequency attached by ClinVar (database versions not stated): gnomAD 0.00001.
gnomAD v4.1: 1 of 1,613,716 alleles (0.000062%); highest among the groups gnomAD compares: Non-Finnish European, 0.000085%; no homozygotes.

Submissions (2):

Labcorp Genetics (formerly Invitae), Labcorp
Classification: Uncertain significance. Last evaluated: 2024-04-03. Review status: criteria provided, single submitter. Criteria: Invitae Variant Classification Sherloc (09022015). Collection method: clinical testing. Allele origin: germline.
Comment: This sequence change replaces threonine, which is neutral and polar, with serine, which is neutral and polar, at codon 1060 of the MSH3 protein (p.Thr1060Ser). This variant is present in population databases (no rsID available, gnomAD 0.0009%). This variant has not been reported in the literature in individuals affected with MSH3-related conditions. ClinVar contains an entry for this variant (Variation ID: 1728497). An algorithm developed to predict the effect of missense changes on protein structure and function (PolyPhen-2) suggests that this variant is likely to be disruptive. In summary, the available evidence is currently insufficient to determine the role of this variant in disease. Therefore, it has been classified as a Variant of Uncertain Significance.

Ambry Genetics
Classification: Uncertain significance for Hereditary cancer-predisposing syndrome. Last evaluated: 2021-05-09. Review status: criteria provided, single submitter. Criteria: Ambry Variant Classification Scheme 2023. Collection method: clinical testing. Allele origin: germline.
Comment: The p.T1060S variant (also known as c.3178A>T), located in coding exon 23 of the MSH3 gene, results from an A to T substitution at nucleotide position 3178. The threonine at codon 1060 is replaced by serine, an amino acid with similar properties. This amino acid position is highly conserved in available vertebrate species. In addition, the in silico prediction for this alteration is inconclusive. Since supporting evidence is limited at this time, the clinical significance of this alteration remains unclear.